The following is an entry in ClinVar:

ClinVar aggregate classification (germline): Uncertain significance (1 of 4 stars; one submission).

Conditions:
Familial cancer of breast. Also called: hereditary breast carcinoma; BREAST CANCER, FAMILIAL; Hereditary breast cancer. Identifiers: Orphanet 227535, MedGen C0346153, MONDO:0016419, OMIM 114480. Disease mechanism: loss of function.

Submission:

Labcorp Genetics (formerly Invitae), Labcorp
Classification: Uncertain significance for Familial cancer of breast. Last evaluated: 2020-03-12. Review status: criteria provided, single submitter. Criteria: Invitae Variant Classification Sherloc (09022015). Collection method: clinical testing. Allele origin: germline.
Comment: Algorithms developed to predict the effect of missense changes on protein structure and function are either unavailable or do not agree on the potential impact of this missense change (SIFT: "Tolerated"; PolyPhen-2: "Possibly Damaging"; Align-GVGD: "Class C0"). In summary, the available evidence is currently insufficient to determine the role of this variant in disease. Therefore, it has been classified as a Variant of Uncertain Significance. This variant has not been reported in the literature in individuals with PALB2-related conditions. This variant is not present in population databases (ExAC no frequency). This sequence change replaces serine with threonine at codon 354 of the PALB2 protein (p.Ser354Thr). The serine residue is highly conserved and there is a small physicochemical difference between serine and threonine.

NM_024675.4(PALB2):c.1060T>A (p.Ser354Thr)

Gene: PALB2 (partner and localizer of BRCA2; minus strand). Cytogenetic location: 16p12.2.
Variant type: single nucleotide variant.
Coding change: c.1060T>A on transcript NM_024675.4 (MANE Select); coding-DNA position 1060, T replaced by A.
Protein change: p.Ser354Thr; replaces serine 354 with threonine.
Molecular consequence: missense variant.
Genome position (GRCh38, 1-based): chr16:23,635,486, A>T on the plus strand (T>A on the coding strand, the complement: PALB2 is on the minus strand). VCF-style: chr16-23635486-A-T. GRCh37 (hg19) VCF-style: chr16-23646807-A-T.
Other names: short protein forms S354T.
Identifiers: ClinVar variation 940471 (VCV000940471.10), dbSNP rs1567221680, ClinGen allele CA395134079.